The following is an entry in ClinVar:

ClinVar aggregate classification (germline): Uncertain significance. Review status: criteria provided, multiple submitters, no conflicts (2 of 4 stars). 2 submissions from 2 submitters: Uncertain significance (2). Last evaluated 2025-06-12.

Conditions:
Pigmentary pallidal degeneration (NBIA1). Also called: PKAN NEUROAXONAL DYSTROPHY, JUVENILE-ONSET; HARP SYNDROME; Pantothenate Kinase-Associated Neurodegeneration; Neuroaxonal dystrophy, late infantile; Hallervorden-Spatz disease; Neurodegeneration with brain iron accumulation 1. Identifiers: Orphanet 157850, MedGen C0018523, MONDO:0009319, OMIM 234200.

Allele frequency attached by ClinVar (database versions not stated): gnomAD exomes below 0.00001.
gnomAD v4.1: 3 of 1,425,604 alleles (0.00021%); highest among the groups gnomAD compares: African/African-American, 0.0015%; no homozygotes.

Submissions (2):

Mayo Clinic Laboratories, Mayo Clinic
Classification: Uncertain significance. Last evaluated: 2025-06-12. Review status: criteria provided, single submitter. Criteria: ACMG Guidelines, 2015. Collection method: clinical testing. Allele origin: germline. Observed: 1 variant allele.
Comment: BP4

Labcorp Genetics (formerly Invitae), Labcorp
Classification: Uncertain significance for Pigmentary pallidal degeneration. Last evaluated: 2022-07-12. Review status: criteria provided, single submitter. Criteria: Invitae Variant Classification Sherloc (09022015). Collection method: clinical testing. Allele origin: germline.
Comment: This sequence change replaces valine, which is neutral and non-polar, with phenylalanine, which is neutral and non-polar, at codon 144 of the PANK2 protein (p.Val144Phe). This variant is not present in population databases (gnomAD no frequency). This variant has not been reported in the literature in individuals affected with PANK2-related conditions. ClinVar contains an entry for this variant (Variation ID: 1506379). Algorithms developed to predict the effect of missense changes on protein structure and function (SIFT, PolyPhen-2, Align-GVGD) all suggest that this variant is likely to be tolerated. In summary, the available evidence is currently insufficient to determine the role of this variant in disease. Therefore, it has been classified as a Variant of Uncertain Significance.

NM_001386393.1(PANK2):c.100G>T (p.Val34Phe)

Genes: PANK2 (pantothenate kinase 2; plus strand), LOC130065345 (ATAC-STARR-seq lymphoblastoid silent region 12635; plus strand). Cytogenetic location: 20p13.
Variant type: single nucleotide variant.
Coding change: c.100G>T on transcript NM_001386393.1 (MANE Select); coding-DNA position 100, G replaced by T.
Protein change: p.Val34Phe; replaces valine 34 with phenylalanine.
Molecular consequence: missense variant. On other transcripts: 5 prime UTR variant (1), non-coding transcript variant (1), intron variant (1).
Genome position (GRCh38, 1-based): chr20:3,889,530, G>T. VCF-style: chr20-3889530-G-T. GRCh37 (hg19) VCF-style: chr20-3870177-G-T.
Other names: p.Val144Phe; c.-612G>T (NM_001324191.2); c.430G>T, p.Val144Phe (NM_001324192.1, NM_153638.4); c.-246+626G>T (NM_024960.6); c.430G>T (NM_153638.3); short protein forms V34F, V144F.
Identifiers: ClinVar variation 1506379 (VCV001506379.6), dbSNP rs547164263, ClinGen allele CA311088868.
Genomic context (GRCh38, chr20:3,889,530, plus strand): 5'-ATGGGAGGGGGCCGGCTCGGCGCGCCCATGGAGCGCCACGGCAGGGCTTCCGCCACCTCC[G>T]TCTCGTCGGCTGGGGAGCAGGCGGCCGGGGACCCCGAAGGGCGGCGGCAGGAGCCACTGC-3'
Protein context (NP_001373322.1, residues 24-44): ERHGRASATS[Val34Phe]SSAGEQAAGD